The following is an entry in ClinVar:

ClinVar aggregate classification (germline): Benign (0 of 4 stars; one submission).

Conditions:
MUC16-related disorder. Also called: MUC16-related condition.

Allele frequency attached by ClinVar (database versions not stated): 1000 Genomes Project 30x 0.01265.

Submission:

PreventionGenetics, part of Exact Sciences
Classification: Benign for MUC16-related condition. Last evaluated: 2019-02-19. Review status: no assertion criteria provided. Collection method: clinical testing. Allele origin: germline.
Comment: This variant is classified as benign based on ACMG/AMP sequence variant interpretation guidelines (Richards et al. 2015 PMID: 25741868, with internal and published modifications).

NM_001401501.2(MUC16):c.39170G>A (p.Gly13057Glu)

Gene: MUC16 (mucin 16, cell surface associated; minus strand). Cytogenetic location: 19p13.2.
Variant type: single nucleotide variant.
Coding change: c.39170G>A on transcript NM_001401501.2 (MANE Select); coding-DNA position 39170, G replaced by A.
Protein change: p.Gly13057Glu; replaces glycine 13057 with glutamic acid.
Molecular consequence: missense variant.
Genome position (GRCh38, 1-based): chr19:8,900,001, C>T on the plus strand (G>A on the coding strand, the complement: MUC16 is on the minus strand). VCF-style: chr19-8900001-C-T. GRCh37 (hg19) VCF-style: chr19-9010677-C-T.
Other names: c.39596G>A, p.Gly13199Glu (NM_001414686.1); c.39050G>A, p.Gly13017Glu (NM_001414687.1); c.38984G>A, p.Gly12995Glu (NM_024690.2); short protein forms G12995E, G13017E, G13057E, G13199E.
Identifiers: ClinVar variation 3055685 (VCV003055685.2), dbSNP rs796151917, ClinGen allele CA305081407.